The following is an entry in ClinVar:

ClinVar aggregate classification (germline): Uncertain significance (1 of 4 stars; one submission).

Conditions:
Peutz-Jeghers syndrome (PJS). Also called: POLYPOSIS, HAMARTOMATOUS INTESTINAL; POLYPS-AND-SPOTS SYNDROME; Peutz-Jeghers polyposis; Periorificial lentiginosis syndrome. Identifiers: Orphanet 2869, MedGen C0031269, MeSH D010580, MONDO:0008280, OMIM 175200.

Submission:

Labcorp Genetics (formerly Invitae), Labcorp
Classification: Uncertain significance for Peutz-Jeghers syndrome. Last evaluated: 2017-09-24. Review status: criteria provided, single submitter. Criteria: Invitae Variant Classification Sherloc (09022015). Collection method: clinical testing. Allele origin: germline.
Comment: In summary, the available evidence is currently insufficient to determine the role of this variant in disease. Therefore, it has been classified as a Variant of Uncertain Significance. Algorithms developed to predict the effect of missense changes on protein structure and function do not agree on the potential impact of this missense change (SIFT: "Tolerated"; PolyPhen-2: "Probably Damaging"; Align-GVGD: "Class C0"). This variant has not been reported in the literature in individuals with STK11-related disease. This variant is not present in population databases (ExAC no frequency). This sequence change replaces glycine with alanine at codon 257 of the STK11 protein (p.Gly257Ala). The glycine residue is highly conserved and there is a small physicochemical difference between glycine and alanine.

NM_000455.5(STK11):c.770G>C (p.Gly257Ala)

Gene: STK11 (serine/threonine kinase 11; plus strand). Cytogenetic location: 19p13.3.
Variant type: single nucleotide variant.
Coding change: c.770G>C on transcript NM_000455.5 (MANE Select); coding-DNA position 770, G replaced by C.
Protein change: p.Gly257Ala; replaces glycine 257 with alanine.
Molecular consequence: missense variant.
Genome position (GRCh38, 1-based): chr19:1,221,248, G>C. VCF-style: chr19-1221248-G-C. GRCh37 (hg19) VCF-style: chr19-1221247-G-C.
Other names: short protein forms G257A.
Identifiers: ClinVar variation 527839 (VCV000527839.8), dbSNP rs1555738634, ClinGen allele CA402950432.
Genomic context (GRCh38, chr19:1,221,248, plus strand): 5'-TTTCTTCCCTCCCCTCGAAATGAAGCTACAACATCACCACGGGTCTGTACCCCTTCGAAG[G>C]GGACAACATCTACAAGTTGTTTGAGAACATCGGGAAGGGGAGCTACGCCATCCCGGGCGA-3'
Protein context (NP_000446.1, residues 247-267): NITTGLYPFE[Gly257Ala]DNIYKLFENI